The following is an entry in ClinVar:

NC_000011.10:g.(?_32434690)_(32435345_?)del

Gene: WT1 (WT1 transcription factor; minus strand). Cytogenetic location: 11p13.
Variant type: Deletion.
Identifiers: ClinVar variation 833107 (VCV000833107.1).

ClinVar aggregate classification (germline): Pathogenic (1 of 4 stars; one submission).

Conditions:
Frasier syndrome. Identifiers: Orphanet 347, MedGen C0950122, MeSH D052159, MONDO:0007635, OMIM 136680.
Wilms tumor 1 (WT1). Also called: Wilms tumor, somatic. Identifiers: Orphanet 654, MedGen CN033288, MONDO:0008679, OMIM 194070.
11p partial monosomy syndrome (WAGR). Also called: CHROMOSOME 11p13 DELETION SYNDROME; WAGR syndrome; WAGR Spectrum Disorder; WAGR Complex. Identifiers: Orphanet 893, MedGen C0206115, MONDO:0008681, OMIM 194072.
Drash syndrome (DDS). Also called: WILMS TUMOR AND PSEUDO- OR TRUE HERMAPHRODITISM; NEPHROPATHY, WILMS TUMOR, AND GENITAL ANOMALIES. Identifiers: Orphanet 220, MedGen C0950121, MONDO:0008682, OMIM 194080.

Submission:

Labcorp Genetics (formerly Invitae), Labcorp
Classification: Pathogenic for Wilms tumor 1; Drash syndrome; 11p partial monosomy syndrome; Frasier syndrome. Last evaluated: 2019-12-23. Review status: criteria provided, single submitter. Criteria: Invitae Variant Classification Sherloc (09022015). Collection method: clinical testing. Allele origin: germline.
Comment: This variant is a gross deletion of the genomic region encompassing exon 1 of the WT1 gene, which includes the initiator codon. The 5' end of this event is unknown as it extends beyond the assayed region for this gene and therefore may encompass additional genes. The 3' boundary is likely confined to intron 1 of the WT1 gene. This is expected to result in an absent or disrupted protein product. This variant has not been reported in the literature in individuals with WT1-related conditions. Loss-of-function variants in WT1 are known to be pathogenic (PMID: 15150775). For these reasons, this variant has been classified as Pathogenic.